The following is an entry in ClinVar:

NM_004329.3(BMPR1A):c.761G>C (p.Arg254Pro)

Gene: BMPR1A (bone morphogenetic protein receptor type 1A; plus strand). Cytogenetic location: 10q23.2.
Variant type: single nucleotide variant.
Coding change: c.761G>C on transcript NM_004329.3 (MANE Select); coding-DNA position 761, G replaced by C.
Protein change: p.Arg254Pro; replaces arginine 254 with proline.
Molecular consequence: missense variant.
Genome position (GRCh38, 1-based): chr10:86,917,219, G>C. VCF-style: chr10-86917219-G-C. GRCh37 (hg19) VCF-style: chr10-88676976-G-C.
Other names: short protein forms R254P.
Identifiers: ClinVar variation 482875 (VCV000482875.15), dbSNP rs766908700, ClinGen allele CA377457741.

ClinVar aggregate classification (germline): Uncertain significance. Review status: criteria provided, multiple submitters, no conflicts (2 of 4 stars). 2 submissions from 2 submitters: Uncertain significance (2). Last evaluated 2024-12-12.

Conditions:
Juvenile polyposis syndrome (JPS). Identifiers: Orphanet 2929, MedGen C0345893, MONDO:0017380, OMIM 174900.
Hereditary cancer-predisposing syndrome. Also called: Hereditary neoplastic syndrome; Neoplastic Syndromes, Hereditary; Tumor predisposition; Hereditary Cancer Syndrome. Identifiers: Orphanet 140162, MedGen C0027672, MeSH D009386, MONDO:0015356.

Submissions (2):

Labcorp Genetics (formerly Invitae), Labcorp
Classification: Uncertain significance for Juvenile polyposis syndrome. Last evaluated: 2024-12-12. Review status: criteria provided, single submitter. Criteria: Invitae Variant Classification Sherloc (09022015). Collection method: clinical testing. Allele origin: germline.
Comment: This sequence change replaces arginine, which is basic and polar, with proline, which is neutral and non-polar, at codon 254 of the BMPR1A protein (p.Arg254Pro). This variant is not present in population databases (gnomAD no frequency). This variant has not been reported in the literature in individuals affected with BMPR1A-related conditions. ClinVar contains an entry for this variant (Variation ID: 482875). Invitae Evidence Modeling of protein sequence and biophysical properties (such as structural, functional, and spatial information, amino acid conservation, physicochemical variation, residue mobility, and thermodynamic stability) has been performed for this missense variant. However, the output from this modeling did not meet the statistical confidence thresholds required to predict the impact of this variant on BMPR1A protein function. In summary, the available evidence is currently insufficient to determine the role of this variant in disease. Therefore, it has been classified as a Variant of Uncertain Significance.

Ambry Genetics
Classification: Uncertain significance for Hereditary cancer-predisposing syndrome. Last evaluated: 2016-11-16. Review status: criteria provided, single submitter. Criteria: Ambry Variant Classification Scheme 2023. Collection method: clinical testing. Allele origin: germline.
Comment: The p.R254P variant (also known as c.761G>C), located in coding exon 7 of the BMPR1A gene, results from a G to C substitution at nucleotide position 761. The arginine at codon 254 is replaced by proline, an amino acid with dissimilar properties. To our knowledge, this exact alteration has not yet been reported in an individual with juvenile polyps; however, another alteration at this amnio acid position, p.R254H, has been reported in an individual with sporadic juvenile polyps and was associated with altered protein localization and similar protein levels and signaling compared with wildtype BMPR1A (Calva-Cerqueira D et al. Clin Genet. 2009 Jan;75(1):79-85; Howe J et al. J Surg Res. 2013 Oct;184(2):739-45). This variant was not reported in population based cohorts in the following databases: Database of Single Nucleotide Polymorphisms (dbSNP), NHLBI Exome Sequencing Project (ESP), and 1000 Genomes Project. In the ESP, this variant was not observed in 6483 samples (12966 alleles) with coverage at this position. To date, this alteration has been detected with an allele frequency of approximately 0.001% (greater than 85000 alleles tested) in our clinical cohort. This amino acid position is highly conserved in available vertebrate species. In addition, this alteration is predicted to be deleterious by in silico analysis. Since supporting evidence is limited at this time, the clinical significance of this alteration remains unclear.

Literature cited by the submitters: PubMed 18823382 (cited by Ambry Genetics); PubMed 23433720 (cited by Ambry Genetics).